The following is an entry in ClinVar:

NM_015271.5(TRIM2):c.1232A>G (p.Asn411Ser)

Gene: TRIM2 (tripartite motif containing 2; plus strand). Cytogenetic location: 4q31.3.
Variant type: single nucleotide variant.
Coding change: c.1232A>G on transcript NM_015271.5 (MANE Select); coding-DNA position 1232, A replaced by G.
Protein change: p.Asn411Ser; replaces asparagine 411 with serine.
Molecular consequence: missense variant.
Genome position (GRCh38, 1-based): chr4:153,295,758, A>G. VCF-style: chr4-153295758-A-G. GRCh37 (hg19) VCF-style: chr4-154216910-A-G.
Other names: c.1151A>G, p.Asn384Ser (NM_001130067.2, NM_001351056.2, NM_001375512.1 and 5 more transcripts); c.1205A>G, p.Asn402Ser (NM_001351054.2); c.1202A>G, p.Asn401Ser (NM_001351055.2); c.776A>G, p.Asn259Ser (NM_001351057.2); c.1325A>G, p.Asn442Ser (NM_001375488.1); c.1322A>G, p.Asn441Ser (NM_001375489.1); c.1175A>G, p.Asn392Ser (NM_001375490.1); c.1172A>G, p.Asn391Ser (NM_001375491.1); and 3 more; short protein forms N299S, N401S, N411S, N442S, N300S, N391S, N392S, N259S.
Identifiers: ClinVar variation 953243 (VCV000953243.9), dbSNP rs889090777, ClinGen allele CA107916129.

ClinVar aggregate classification (germline): Uncertain significance (1 of 4 stars; one submission).

Conditions:
Charcot-Marie-Tooth disease type 2R. Also called: Charcot-Marie-Tooth disease, axonal, type 2R; CHARCOT-MARIE-TOOTH DISEASE, AXONAL, AUTOSOMAL RECESSIVE, TYPE 2R; CHARCOT-MARIE-TOOTH NEUROPATHY, TYPE 2R. Identifiers: Orphanet 397968, MedGen C3809655, MONDO:0014208, OMIM 615490.

Allele frequency attached by ClinVar (database versions not stated): gnomAD exomes below 0.00001; TOPMed 0.00002.
gnomAD v4.1: 1 of 1,614,060 alleles (0.000062%); highest among the groups gnomAD compares: Non-Finnish European, 0.000085%; no homozygotes.

Submission:

Labcorp Genetics (formerly Invitae), Labcorp
Classification: Uncertain significance for Charcot-Marie-Tooth disease type 2R. Last evaluated: 2022-03-18. Review status: criteria provided, single submitter. Criteria: Invitae Variant Classification Sherloc (09022015). Collection method: clinical testing. Allele origin: germline.
Comment: In summary, the available evidence is currently insufficient to determine the role of this variant in disease. Therefore, it has been classified as a Variant of Uncertain Significance. Algorithms developed to predict the effect of missense changes on protein structure and function are either unavailable or do not agree on the potential impact of this missense change (SIFT: "Deleterious"; PolyPhen-2: "Benign"; Align-GVGD: "Class C0"). ClinVar contains an entry for this variant (Variation ID: 953243). This variant has not been reported in the literature in individuals affected with TRIM2-related conditions. This variant is not present in population databases (gnomAD no frequency). This sequence change replaces asparagine, which is neutral and polar, with serine, which is neutral and polar, at codon 384 of the TRIM2 protein (p.Asn384Ser).